The following is an entry in ClinVar:

NM_005676.5(RBM10):c.-34G>T

Gene: RBM10 (RNA binding motif protein 10; plus strand). Cytogenetic location: Xp11.3.
Variant type: single nucleotide variant.
Coding change: c.-34G>T on transcript NM_005676.5 (MANE Select); 34 bases upstream of the start codon, G replaced by T.
Molecular consequence: 5 prime UTR variant. On other transcripts: missense variant (1).
Genome position (GRCh38, 1-based): chrX:47,147,448, G>T. VCF-style: chrX-47147448-G-T. GRCh37 (hg19) VCF-style: chrX-47006847-G-T.
Other names: c.-34G>T (NM_001204466.2, NM_001204467.2, NM_152856.3); c.162G>T, p.Arg54Ser (NM_001204468.2); short protein forms R54S.
Identifiers: ClinVar variation 3252501 (VCV003252501.1), dbSNP rs1556762468.
Genomic context (GRCh38, chrX:47,147,448, plus strand): 5'-AGATCATGGTAGCAGCAGCGGGGGTGGCTGGGAAGTGAAACGGAGCCAGCGGCTGAGGAG[G>T]GGCCCCAGCAGCCCCCGAAGGCCCTATCAGGACATGGAGTATGAAAGACGGTGAGTTATC-3'

ClinVar aggregate classification (germline): Uncertain significance (1 of 4 stars; one submission).

Submission:

GeneDx
Classification: Uncertain significance. Last evaluated: 2023-10-03. Review status: criteria provided, single submitter. Criteria: GeneDx Variant Classification Process June 2021. Collection method: clinical testing. Allele origin: germline. Affected: yes.
Comment: Reported using an alternate transcript of the gene; Not observed at significant frequency in large population cohorts (gnomAD); In silico analysis supports that this missense variant has a deleterious effect on protein structure/function; Has not been previously published as pathogenic or benign to our knowledge